The following is an entry in ClinVar:

NM_001142966.3(GREB1L):c.4834C>A (p.Pro1612Thr)

Gene: GREB1L (GREB1 like retinoic acid receptor coactivator; plus strand). Cytogenetic location: 18q11.2.
Variant type: single nucleotide variant.
Coding change: c.4834C>A on transcript NM_001142966.3 (MANE Select); coding-DNA position 4834, C replaced by A.
Protein change: p.Pro1612Thr; replaces proline 1612 with threonine.
Molecular consequence: missense variant.
Genome position (GRCh38, 1-based): chr18:21,513,919, C>A. VCF-style: chr18-21513919-C-A. GRCh37 (hg19) VCF-style: chr18-19093880-C-A.
Other names: c.4963C>A, p.Pro1655Thr (NM_001410867.1); c.4507C>A, p.Pro1503Thr (NM_001410868.1); short protein forms P1612T, P1655T, P1503T.
Identifiers: ClinVar variation 3650154 (VCV003650154.2).

ClinVar aggregate classification (germline): Uncertain significance (1 of 4 stars; one submission).

Submission:

Labcorp Genetics (formerly Invitae), Labcorp
Classification: Uncertain significance. Last evaluated: 2024-04-16. Review status: criteria provided, single submitter. Criteria: Invitae Variant Classification Sherloc (09022015). Collection method: clinical testing. Allele origin: germline.
Comment: This sequence change replaces proline, which is neutral and non-polar, with threonine, which is neutral and polar, at codon 1612 of the GREB1L protein (p.Pro1612Thr). This variant is not present in population databases (gnomAD no frequency). This variant has not been reported in the literature in individuals affected with GREB1L-related conditions. An algorithm developed to predict the effect of missense changes on protein structure and function (PolyPhen-2) suggests that this variant is likely to be disruptive. In summary, the available evidence is currently insufficient to determine the role of this variant in disease. Therefore, it has been classified as a Variant of Uncertain Significance.